The following is an entry in ClinVar:

NM_001077350.3(NPRL3):c.731C>T (p.Pro244Leu)

Genes: HBA-LCR (alpha-globin locus control region; plus strand), NPRL3 (NPR3 like, GATOR1 complex subunit; minus strand). Cytogenetic location: 16p13.3.
Variant type: single nucleotide variant.
Coding change: c.731C>T on transcript NM_001077350.3 (MANE Select); coding-DNA position 731, C replaced by T.
Protein change: p.Pro244Leu; replaces proline 244 with leucine.
Molecular consequence: missense variant.
Genome position (GRCh38, 1-based): chr16:100,408, G>A on the plus strand (C>T on the coding strand, the complement: NPRL3 is on the minus strand). VCF-style: chr16-100408-G-A. GRCh37 (hg19) VCF-style: chr16-150406-G-A.
Other names: c.194C>T, p.Pro65Leu (NM_001039476.3); c.497C>T, p.Pro166Leu (NM_001243247.2); c.656C>T, p.Pro219Leu (NM_001243248.2, NM_001243249.2); short protein forms P166L, P219L, P244L, P65L.
Identifiers: ClinVar variation 3624541 (VCV003624541.2).

ClinVar aggregate classification (germline): Uncertain significance (1 of 4 stars; one submission).

Conditions:
Epilepsy, familial focal, with variable foci 3 (FFEVF3). Identifiers: MedGen C4310708, MONDO:0014925, OMIM 617118.

Submission:

Labcorp Genetics (formerly Invitae), Labcorp
Classification: Uncertain significance for Epilepsy, familial focal, with variable foci 3. Last evaluated: 2024-12-24. Review status: criteria provided, single submitter. Criteria: Invitae Variant Classification Sherloc (09022015). Collection method: clinical testing. Allele origin: germline.
Comment: This sequence change replaces proline, which is neutral and non-polar, with leucine, which is neutral and non-polar, at codon 244 of the NPRL3 protein (p.Pro244Leu). This variant is not present in population databases (gnomAD no frequency). This variant has not been reported in the literature in individuals affected with NPRL3-related conditions. Invitae Evidence Modeling of protein sequence and biophysical properties (such as structural, functional, and spatial information, amino acid conservation, physicochemical variation, residue mobility, and thermodynamic stability) indicates that this missense variant is not expected to disrupt NPRL3 protein function with a negative predictive value of 80%. In summary, the available evidence is currently insufficient to determine the role of this variant in disease. Therefore, it has been classified as a Variant of Uncertain Significance.